The following is an entry in ClinVar:

ClinVar aggregate classification (germline): Pathogenic. Review status: criteria provided, multiple submitters, no conflicts (2 of 4 stars). 2 submissions from 2 submitters: Pathogenic (2). Last evaluated 2026-01-15.

Conditions:
Lipoic acid synthetase deficiency. Also called: HYPERGLYCINEMIA, LACTIC ACIDOSIS, AND SEIZURES. Identifiers: Orphanet 401859, MedGen C3280887, MONDO:0013762, OMIM 614462.

Submissions (2):

Labcorp Genetics (formerly Invitae), Labcorp
Classification: Pathogenic for Lipoic acid synthetase deficiency. Last evaluated: 2026-01-15. Review status: criteria provided, single submitter. Criteria: Invitae Variant Classification Sherloc (09022015). Collection method: clinical testing. Allele origin: germline.
Comment: This sequence change creates a premature translational stop signal (p.Asn89Lysfs*4) in the LIAS gene. It is expected to result in an absent or disrupted protein product. Loss-of-function variants in LIAS are known to be pathogenic (PMID: 24334290, 27923773). This variant is present in population databases (no rsID available, gnomAD 0.001%). This variant has not been reported in the literature in individuals affected with LIAS-related conditions. ClinVar contains an entry for this variant (Variation ID: 951412). Algorithms developed to predict the effect of sequence changes on RNA splicing suggest that this variant may disrupt the consensus splice site. For these reasons, this variant has been classified as Pathogenic.

Women's Health and Genetics/Laboratory Corporation of America, LabCorp
Classification: Pathogenic for Lipoic acid synthetase deficiency. Last evaluated: 2025-06-04. Review status: criteria provided, single submitter. Criteria: LabCorp Variant Classification Summary - May 2015. Collection method: clinical testing. Allele origin: germline.
Comment: Variant summary: LIAS c.266dupA (p.Asn89LysfsX4) results in a premature termination codon, predicted to cause a truncation of the encoded protein or absence of the protein due to nonsense mediated decay, which are commonly known mechanisms for disease. The variant allele was found at a frequency of 4.7e-06 in 212136 control chromosomes. To our knowledge, no occurrence of c.266dupA in individuals affected with Pyruvate Dehydrogenase Lipoic Acid Synthetase Deficiency and no experimental evidence demonstrating its impact on protein function have been reported. ClinVar contains an entry for this variant (Variation ID: 951412). Based on the evidence outlined above, the variant was classified as pathogenic.

Literature cited by the submitters: PubMed 24334290 (cited by Labcorp Genetics (formerly Invitae), Labcorp); PubMed 27923773 (cited by Labcorp Genetics (formerly Invitae), Labcorp).

NM_006859.4(LIAS):c.266dup (p.Asn89fs)

Gene: LIAS (lipoic acid synthetase; plus strand). Cytogenetic location: 4p14.
Variant type: Duplication.
Coding change: c.266dup on transcript NM_006859.4 (MANE Select); coding-DNA position 266, one base duplicated (A; older notation c.266dupA).
Protein change: p.Asn89fs; shifts the reading frame from asparagine 89.
Molecular consequence: frameshift variant. On other transcripts: intron variant (2).
Genome position (GRCh38, 1-based): chr4:39,462,243, A duplicated; the last of 5 consecutive A bases (chr4:39,462,239-39,462,243); duplicating any one gives the same sequence. VCF-style (leftmost placement, unchanged base first): chr4-39462238-G-GA. GRCh37 (hg19) VCF-style: chr4-39463858-G-GA.
Other names: c.266dupA (NM_006859.4); c.266dup, p.Asn89fs (NM_001278590.2, NM_001278591.2, NM_194451.3); c.218+1281dup (NM_001363700.2, NM_001278592.2); short protein forms N89fs.
Identifiers: ClinVar variation 951412 (VCV000951412.8), dbSNP rs1355425067, ClinGen allele CA550735897.